The following is an entry in ClinVar:

NM_001395656.1(ROBO2):c.35G>A (p.Cys12Tyr)

Gene: ROBO2 (roundabout guidance receptor 2; plus strand). Cytogenetic location: 3p12.3.
Variant type: single nucleotide variant.
Coding change: c.35G>A on transcript NM_001395656.1 (MANE Select); coding-DNA position 35, G replaced by A.
Protein change: p.Cys12Tyr; replaces cysteine 12 with tyrosine.
Molecular consequence: missense variant. On other transcripts: 5 prime UTR variant (1), intron variant (16).
Genome position (GRCh38, 1-based): chr3:77,040,820, G>A. VCF-style: chr3-77040820-G-A. GRCh37 (hg19) VCF-style: chr3-77089971-G-A.
Other names: c.35G>A, p.Cys12Tyr (NM_001290039.2, NM_001290040.2, NM_001378193.1 and 3 more transcripts); c.-1884G>A (NM_001290065.2); c.110-57194G>A (NM_001378191.1, NM_001378195.1, NM_001378196.1 and 5 more transcripts); c.131-57194G>A (NM_001394213.1, NM_001378192.1, NM_001378198.1 and 5 more transcripts); short protein forms C12Y.
Identifiers: ClinVar variation 3021382 (VCV003021382.3), dbSNP rs370462786, ClinGen allele CA2496613.
Genomic context (GRCh38, chr3:77,040,820, plus strand): 5'-ATCTGGATCCTTTTTAATATGTCAAAATGAGTCTGCTGATGTTTACACAACTACTGCTCT[G>A]TGGATTTTTATATGTTCGGGTTGATGGTAAGTTAAAAATGCTTTCATCTTTTTTTGCGCC-3'
Protein context (NP_001382585.1, residues 2-22): SLLMFTQLLL[Cys12Tyr]GFLYVRVDGS

ClinVar aggregate classification (germline): Uncertain significance (1 of 4 stars; one submission).

Allele frequency attached by ClinVar (database versions not stated): ExAC 0.00002; TOPMed 0.00002; gnomAD exomes below 0.00001; gnomAD 0.00002; ESP Exome Variant Server 0.00008.
gnomAD v4.1: 5 of 1,613,946 alleles (0.00031%); highest among the groups gnomAD compares: African/African-American, 0.0053%; no homozygotes.

Submission:

Labcorp Genetics (formerly Invitae), Labcorp
Classification: Uncertain significance. Last evaluated: 2025-06-12. Review status: criteria provided, single submitter. Criteria: Invitae Variant Classification Sherloc (09022015). Collection method: clinical testing. Allele origin: germline.
Comment: This sequence change replaces cysteine, which is neutral and slightly polar, with tyrosine, which is neutral and polar, at codon 12 of the ROBO2 protein (p.Cys12Tyr). This variant is present in population databases (rs370462786, gnomAD 0.008%). This variant has not been reported in the literature in individuals affected with ROBO2-related conditions. ClinVar contains an entry for this variant (Variation ID: 3021382). Invitae Evidence Modeling of protein sequence and biophysical properties (such as structural, functional, and spatial information, amino acid conservation, physicochemical variation, residue mobility, and thermodynamic stability) indicates that this missense variant is not expected to disrupt ROBO2 protein function with a negative predictive value of 95%. In summary, the available evidence is currently insufficient to determine the role of this variant in disease. Therefore, it has been classified as a Variant of Uncertain Significance.